The following is an entry in ClinVar:

ClinVar aggregate classification (germline): Likely pathogenic. Review status: criteria provided, single submitter (1 of 4 stars). 2 submissions from 2 submitters: Likely pathogenic (1). 1 of the submissions does not count toward it. Last evaluated 2016-07-09.

Conditions:
Tuberous sclerosis 1 (TSC1). Identifiers: Orphanet 805, MedGen C1854465, MONDO:0008612, OMIM 191100.
Tuberous sclerosis syndrome (TSC). Also called: Tuberous Sclerosis Complex; Tuberous sclerosis. Identifiers: Orphanet 805, MedGen C0041341, MONDO:0001734.

Submissions (2):

Labcorp Genetics (formerly Invitae), Labcorp
Classification: Likely pathogenic for Tuberous sclerosis 1. Last evaluated: 2016-07-09. Review status: criteria provided, single submitter. Criteria: Invitae Variant Classification Sherloc (09022015). Collection method: clinical testing. Allele origin: germline.
Comment: A different missense substitution at this codon (p.Leu61Pro) has been also observed in individuals with TSC and has been determined to be likely pathogenic (PMID: 19747374, 21309039). This suggests that the leucine residue is critical for TSC1 protein function. In summary, this variant has been shown to disrupt TSC1 protein function and it occurs at an amino acid position where a different likely pathogenic variant has been previously described. However, the available segregation evidence is limited. For these reasons, this change has been classified as Likely Pathogenic. Experimental studies have shown that this missense change results in reduced TSC1 protein levels, reduced inhibition of TORC1 activity, and altered intracellular expression patterns (PMID: 22161988). This variant has been reported in a family affected with tuberous sclerosis complex (TSC) (PMID: 22161988). Although it is reported to co-segregate with disease, details about the family were not provided and, therefore, it is not possible to independently assess this claim. This variant was also observed in another individual diagnosed with TSC (PMID: 22867869). This variant is not present in population databases (rs118203345, ExAC no frequency). This sequence change replaces leucine with arginine at codon 61 of the TSC1 protein (p.Leu61Arg). The leucine residue is highly conserved and there is a moderate physicochemical difference between leucine and arginine.

Tuberous sclerosis database (TSC1)
No classification provided. Condition: TSC. Review status: no classification provided. Criteria: Tuberous Sclerosis Database Assertion Criteria 2015. Collection method: curation. Allele origin: germline. Affected: yes. Not counted in ClinVar's aggregate classification.

Literature cited by the submitters: PubMed 19747374 (cited by Labcorp Genetics (formerly Invitae), Labcorp); PubMed 21309039 (cited by Labcorp Genetics (formerly Invitae), Labcorp); PubMed 22161988 (cited by Labcorp Genetics (formerly Invitae), Labcorp); PubMed 22867869 (cited by Labcorp Genetics (formerly Invitae), Labcorp).

NM_000368.5(TSC1):c.182T>G (p.Leu61Arg)

Gene: TSC1 (TSC complex subunit 1; minus strand). Cytogenetic location: 9q34.13.
Variant type: single nucleotide variant.
Coding change: c.182T>G on transcript NM_000368.5 (MANE Select); coding-DNA position 182, T replaced by G.
Protein change: p.Leu61Arg; replaces leucine 61 with arginine.
Molecular consequence: missense variant. On other transcripts: intron variant (1).
Genome position (GRCh38, 1-based): chr9:132,927,229, A>C on the plus strand (T>G on the coding strand, the complement: TSC1 is on the minus strand). VCF-style: chr9-132927229-A-C. GRCh37 (hg19) VCF-style: chr9-135802616-A-C.
Other names: c.182T>G, p.Leu61Arg (NM_001162426.2, NM_001162427.2); c.-153-1490T>G (NM_001362177.2); short protein forms L61R.
Identifiers: ClinVar variation 64752 (VCV000064752.6), dbSNP rs118203345, ClinGen allele CA005458.